The following is an entry in ClinVar:

ClinVar aggregate classification (germline): Uncertain significance. Review status: criteria provided, multiple submitters, no conflicts (2 of 4 stars). 2 submissions from 2 submitters: Uncertain significance (2). Last evaluated 2025-08-04.

Allele frequency attached by ClinVar (database versions not stated): gnomAD exomes below 0.00001; ExAC 0.00002; gnomAD 0.00002; TOPMed 0.00002; ESP Exome Variant Server 0.00008; 1000 Genomes Project 30x 0.00016; 1000 Genomes Project 0.00020.
gnomAD v4.1: 12 of 1,606,996 alleles (0.00075%); highest among the groups gnomAD compares: Admixed American, 0.0067%; no homozygotes.

Submissions (2):

Labcorp Genetics (formerly Invitae), Labcorp
Classification: Uncertain significance. Last evaluated: 2025-08-04. Review status: criteria provided, single submitter. Criteria: Invitae Variant Classification Sherloc (09022015). Collection method: clinical testing. Allele origin: germline.
Comment: This sequence change replaces glycine, which is neutral and non-polar, with serine, which is neutral and polar, at codon 585 of the FBN3 protein (p.Gly585Ser). This variant is present in population databases (rs139765746, gnomAD 0.01%). This variant has not been reported in the literature in individuals affected with FBN3-related conditions. ClinVar contains an entry for this variant (Variation ID: 3093364). Invitae Evidence Modeling of protein sequence and biophysical properties (such as structural, functional, and spatial information, amino acid conservation, physicochemical variation, residue mobility, and thermodynamic stability) indicates that this missense variant is expected to disrupt FBN3 protein function with a positive predictive value of 80%. In summary, the available evidence is currently insufficient to determine the role of this variant in disease. Therefore, it has been classified as a Variant of Uncertain Significance.

Ambry Genetics
Classification: Uncertain significance. Last evaluated: 2024-01-23. Review status: criteria provided, single submitter. Criteria: Ambry Variant Classification Scheme 2023. Collection method: clinical testing. Allele origin: germline.

NM_032447.5(FBN3):c.1753G>A (p.Gly585Ser)

Gene: FBN3 (fibrillin 3; minus strand). Cytogenetic location: 19p13.2.
Variant type: single nucleotide variant.
Coding change: c.1753G>A on transcript NM_032447.5 (MANE Select); coding-DNA position 1753, G replaced by A.
Protein change: p.Gly585Ser; replaces glycine 585 with serine.
Molecular consequence: missense variant.
Genome position (GRCh38, 1-based): chr19:8,131,791, C>T on the plus strand (G>A on the coding strand, the complement: FBN3 is on the minus strand). VCF-style: chr19-8131791-C-T. GRCh37 (hg19) VCF-style: chr19-8196675-C-T.
Other names: c.1753G>A, p.Gly585Ser (NM_001321431.2); short protein forms G585S.
Identifiers: ClinVar variation 3093364 (VCV003093364.2), dbSNP rs139765746, ClinGen allele CA9153164.
Genomic context (GRCh38, chr19:8,131,791, plus strand): 5'-CTACCGCCAGCCCCCCCAGGCACTGGCAGCGGAAGGAGCCCTCGGTGTTGGTACAGTGGC[C>T]GTTCACGCAGATGCCGGGCGTCTGGCACTCGTCAATGTCTGCAGAAGCAGTGGCGGCACG-3'
Protein context (NP_115823.3, residues 575-595): ECQTPGICVN[Gly585Ser]HCTNTEGSFR